The following is an entry in ClinVar:

ClinVar aggregate classification (germline): Uncertain significance (1 of 4 stars; one submission).

Conditions:
Familial thoracic aortic aneurysm and aortic dissection (TAAD). Also called: Thoracic aortic aneurysms and dissections. Identifiers: Orphanet 91387, MedGen C4707243, MONDO:0019625.

Submission:

Ambry Genetics
Classification: Uncertain significance for Familial thoracic aortic aneurysm and aortic dissection. Last evaluated: 2025-05-03. Review status: criteria provided, single submitter. Criteria: Ambry Variant Classification Scheme 2023. Collection method: clinical testing. Allele origin: germline.
Comment: The p.T940I variant (also known as c.2819C>T), located in coding exon 18 of the NOTCH1 gene, results from a C to T substitution at nucleotide position 2819. The threonine at codon 940 is replaced by isoleucine, an amino acid with similar properties. This amino acid position is conserved. In addition, this alteration is predicted to be tolerated by in silico analysis. Based on the available evidence, the clinical significance of this variant remains unclear.

NM_017617.5(NOTCH1):c.2819C>T (p.Thr940Ile)

Gene: NOTCH1 (notch receptor 1; minus strand). Cytogenetic location: 9q34.3.
Variant type: single nucleotide variant.
Coding change: c.2819C>T on transcript NM_017617.5 (MANE Select); coding-DNA position 2819, C replaced by T.
Protein change: p.Thr940Ile; replaces threonine 940 with isoleucine.
Molecular consequence: missense variant.
Genome position (GRCh38, 1-based): chr9:136,509,883, G>A on the plus strand (C>T on the coding strand, the complement: NOTCH1 is on the minus strand). VCF-style: chr9-136509883-G-A. GRCh37 (hg19) VCF-style: chr9-139404335-G-A.
Other names: short protein forms T940I.
Identifiers: ClinVar variation 3921054 (VCV003921054.1).
Genomic context (GRCh38, chr9:136,509,883, plus strand): 5'-CAGTTGGCCCCGTTGCGGCAGGGGTCACTGGCACACTCGTTGATGTCCTCCTCACAGAAA[G>A]TGCCCCGGAAGCCGGGCAGGCAGTCGCAGAAGGCCGTGTTGATGCCGTCTGTGCAGGAGC-3'
Protein context (NP_060087.3, residues 930-950): FCDCLPGFRG[Thr940Ile]FCEEDINECA